The following is an entry in ClinVar:

ClinVar aggregate classification (germline): Pathogenic (1 of 4 stars; one submission).

Conditions:
Atrioventricular septal defect 5 (AVSD5). Identifiers: MedGen C3280939, MONDO:0013769, OMIM 614474.

Submission:

Labcorp Genetics (formerly Invitae), Labcorp
Classification: Pathogenic for Atrioventricular septal defect 5. Last evaluated: 2023-06-29. Review status: criteria provided, single submitter. Criteria: Invitae Variant Classification Sherloc (09022015). Collection method: clinical testing. Allele origin: germline.
Comment: This sequence change creates a premature translational stop signal (p.Gln206*) in the GATA6 gene. It is expected to result in an absent or disrupted protein product. Loss-of-function variants in GATA6 are known to be pathogenic (PMID: 22158542, 24310933). This variant is not present in population databases (gnomAD no frequency). This variant has not been reported in the literature in individuals affected with GATA6-related conditions. For these reasons, this variant has been classified as Pathogenic.

Literature cited by the submitters: PubMed 22158542; PubMed 24310933.

NM_005257.6(GATA6):c.616C>T (p.Gln206Ter)

Gene: GATA6 (GATA binding protein 6; plus strand). Cytogenetic location: 18q11.2.
Variant type: single nucleotide variant.
Coding change: c.616C>T on transcript NM_005257.6 (MANE Select); coding-DNA position 616, C replaced by T.
Protein change: p.Gln206Ter; replaces glutamine 206 with a stop codon.
Molecular consequence: nonsense.
Genome position (GRCh38, 1-based): chr18:22,171,760, C>T. VCF-style: chr18-22171760-C-T. GRCh37 (hg19) VCF-style: chr18-19751721-C-T.
Other names: short protein forms Q206*.
Identifiers: ClinVar variation 2807112 (VCV002807112.3), dbSNP rs2510626008, ClinGen allele CA401800182.